The following continues an entry in ClinVar:

NM_016239.4(MYO15A):c.8183G>A (p.Arg2728His)

Gene: MYO15A. ClinVar aggregate classification (germline): Pathogenic/Likely pathogenic. Pathogenic (9); Likely pathogenic (5).

Submissions 13 to 14 of 14:

Victorian Clinical Genetics Services, Murdoch Childrens Research Institute
Classification: Likely pathogenic for Autosomal recessive nonsyndromic hearing loss 3. Last evaluated: 2017-10-31. Review status: criteria provided, single submitter. Criteria: ACMG Guidelines, 2015. Collection method: clinical testing. Allele origin: unknown. Affected: yes.
Comment: A heterozygous missense variant was identified, NM_016239.3(MYO15A):c.8183G>A in exon 45 of the MYO15A gene. This substitution is predicted to create a minor amino acid change from an arginine to a histidine at position 2728, NP_057323.3(MYO15A):p.(Arg2728His).The amino acidat this position has high conservation (100 vertebrates, UCSC). In silico software predicts this variant to be disease causing (Polyphen, SIFT, CADD, Mutation Taster). It is not situated in a known functional domain. The variant is present in the gnomAD database at a frequency of 0.019% (53 in 276732, 0 homozygotes). It has been previously reported as likely pathogenic in patients with hearing loss in compound heterozygous state (Brownstein Z, et al. (2011), Yang, T. et al. (2013), ClinVar).Parental testing has indicated the MYO15A variants are compoundheterozygous.Based on current information, this variant has been classified as LIKELY PATHOGENIC.NB: This variant has been reclassified as likely pathogenic due to being in trans with the c.1137delC variant, confirming compound heterozygous inheritance.

Illumina Laboratory Services, Illumina
Classification: Likely pathogenic for Autosomal recessive nonsyndromic hearing loss 3. Last evaluated: 2017-08-29. Review status: criteria provided, single submitter. Criteria: ICSL Variant Classification Criteria 09 May 2019. Collection method: clinical testing. Allele origin: germline.
Comment: The MYO15A c.8183G>A (p.Arg2728His) missense variant has been reported in two studies in which it was identified in a compound heterozygous state with a frameshift variant in three individuals with nonsyndromic hearing loss (Brownstein et al. 2011; Yang et al. 2013). The variant co-segregated with the recessively inherited hearing loss observed in the family, as the father and a third sibling were heterozygous for the p.Arg2728His variant and unaffected, and the mother was heterozygous for the frameshift and unaffected. The p.Arg2728His variant was also identified in 3/288 ethnically matched unrelated deaf alleles but was absent from 716 ethnically matched control alleles. It is reported at a frequency of 0.001059 in the European (Finnish) population of the Exome Aggregation Consortium. Based on the evidence, the p.Arg2728His variant is classified as likely pathogenic for autosomal recessive nonsyndromic hearing loss. This variant was observed by ICSL as part of a predisposition screen in an ostensibly healthy population.

Literature cited by the submitters: PubMed 42233699 (cited by Laboratory of Molecular, Cellular and Translation Genetics in Otolaryngology/ Lim32-hcfmusp, University of Sao Paulo School of Medicine Clinics Hospital); PubMed 21917145 (cited by 6 submitters); PubMed 30622556 (cited by Labcorp Genetics (formerly Invitae), Labcorp and Laboratory for Molecular Medicine, Mass General Brigham Personalized Medicine); PubMed 31827275 (cited by Labcorp Genetics (formerly Invitae), Labcorp and Ambry Genetics); PubMed 32747562 (cited by Labcorp Genetics (formerly Invitae), Labcorp); PubMed 33398081 (cited by Labcorp Genetics (formerly Invitae), Labcorp); PubMed 7616538 (cited by Ambry Genetics); PubMed 7704031 (cited by Ambry Genetics); PubMed 23767834 (cited by 4 submitters); PubMed 25792667 (cited by Ambry Genetics and Laboratory of Prof. Karen Avraham, Tel Aviv University); PubMed 26242193 (cited by Ambry Genetics); PubMed 27375115 (cited by 4 submitters); PubMed 27870113 (cited by Ambry Genetics); PubMed 35982127 (cited by Ambry Genetics); PubMed 38868966 (cited by Ambry Genetics).